The following is an entry in ClinVar:

ClinVar aggregate classification (germline): Conflicting classifications of pathogenicity. Review status: criteria provided, conflicting classifications (1 of 4 stars). 4 submissions from 4 submitters: Uncertain significance (2); Likely benign (2). Last evaluated 2025-11-24.

Conditions:
Leber congenital amaurosis 3 (LCA3). Also called: SPATA7-Related Retinitis Pigmentosa. Identifiers: MedGen C1858677, MONDO:0011415, OMIM 604232.
Inborn genetic diseases. Identifiers: MedGen C0950123, MeSH D030342.
Retinal dystrophy. Also called: Inherited retinal dystrophy. Identifiers: Orphanet 71862, MedGen C0854723, MeSH D058499, MONDO:0019118, HP:0000556.

Allele frequency attached by ClinVar (database versions not stated): gnomAD exomes 0.00002 and 0.00011; gnomAD 0.00003; TOPMed 0.00008; ExAC 0.00010.
gnomAD v4.1: 41 of 1,605,294 alleles (0.0026%); highest among the groups gnomAD compares: East Asian, 0.081%; no homozygotes.

Submissions (4):

Ambry Genetics
Classification: Uncertain significance for Inborn genetic diseases. Last evaluated: 2025-11-24. Review status: criteria provided, single submitter. Criteria: Ambry Variant Classification Scheme 2023. Collection method: clinical testing. Allele origin: germline.

Labcorp Genetics (formerly Invitae), Labcorp
Classification: Uncertain significance for Leber congenital amaurosis 3. Last evaluated: 2023-11-14. Review status: criteria provided, single submitter. Criteria: Invitae Variant Classification Sherloc (09022015). Collection method: clinical testing. Allele origin: germline.
Comment: This sequence change replaces threonine, which is neutral and polar, with isoleucine, which is neutral and non-polar, at codon 310 of the SPATA7 protein (p.Thr310Ile). This variant is present in population databases (rs767454994, gnomAD 0.1%). This variant has not been reported in the literature in individuals affected with SPATA7-related conditions. ClinVar contains an entry for this variant (Variation ID: 1063806). Advanced modeling of protein sequence and biophysical properties (such as structural, functional, and spatial information, amino acid conservation, physicochemical variation, residue mobility, and thermodynamic stability) performed at Invitae indicates that this missense variant is not expected to disrupt SPATA7 protein function with a negative predictive value of 80%. In summary, the available evidence is currently insufficient to determine the role of this variant in disease. Therefore, it has been classified as a Variant of Uncertain Significance.

Dept Of Ophthalmology, Nagoya University
Classification: Likely benign for Retinal dystrophy. Last evaluated: 2023-10-01. Review status: criteria provided, single submitter. Criteria: Submitter's publication. Collection method: research. Allele origin: germline. Affected: yes.

Blueprint Genetics
Classification: Likely benign. Last evaluated: 2022-06-28. Review status: criteria provided, single submitter. Criteria: ACMG Guidelines, 2015. Collection method: clinical testing. Allele origin: germline.

NM_018418.5(SPATA7):c.929C>T (p.Thr310Ile)

Gene: SPATA7 (spermatogenesis associated 7; plus strand). Cytogenetic location: 14q31.3.
Variant type: single nucleotide variant.
Coding change: c.929C>T on transcript NM_018418.5 (MANE Select); coding-DNA position 929, C replaced by T.
Protein change: p.Thr310Ile; replaces threonine 310 with isoleucine.
Molecular consequence: missense variant.
Genome position (GRCh38, 1-based): chr14:88,429,364, C>T. VCF-style: chr14-88429364-C-T. GRCh37 (hg19) VCF-style: chr14-88895708-C-T.
Other names: c.929C>T (NM_018418.4); c.833C>T, p.Thr278Ile (NM_001040428.4); short protein forms T278I, T310I.
Identifiers: ClinVar variation 1063806 (VCV001063806.11), dbSNP rs767454994, ClinGen allele CA7298652.